The following is an entry in ClinVar:

ClinVar aggregate classification (germline): Uncertain significance (1 of 4 stars; one submission).

Conditions:
Fanconi anemia (FA). Also called: Fanconi's anemia. Identifiers: Orphanet 84, MedGen C0015625, MeSH D005199, MONDO:0019391.

Submission:

Labcorp Genetics (formerly Invitae), Labcorp
Classification: Uncertain significance for Fanconi anemia. Last evaluated: 2021-11-06. Review status: criteria provided, single submitter. Criteria: Invitae Variant Classification Sherloc (09022015). Collection method: clinical testing. Allele origin: germline.
Comment: This variant is not present in population databases (gnomAD no frequency). This variant, c.8_28dup, results in the insertion of 7 amino acid(s) of the FANCA protein (p.Asp3_Ser9dup), but otherwise preserves the integrity of the reading frame. This variant has not been reported in the literature in individuals affected with FANCA-related conditions. Algorithms developed to predict the effect of sequence changes on RNA splicing suggest that this variant may create or strengthen a splice site. In summary, the available evidence is currently insufficient to determine the role of this variant in disease. Therefore, it has been classified as a Variant of Uncertain Significance.

NM_000135.4(FANCA):c.8_28dup (p.Asp3_Ser9dup)

Genes: FANCA (FA complementation group A; minus strand), LOC112486223 (Sharpr-MPRA regulatory region 3988; plus strand). Cytogenetic location: 16q24.3.
Variant type: Duplication.
Coding change: c.8_28dup on transcript NM_000135.4 (MANE Select); coding-DNA positions 8 to 28, 21 bases duplicated (ACTCGTGGGTCCCGAACTCCG).
Protein change: p.Asp3_Ser9dup.
Molecular consequence: inframe insertion.
Genome position (GRCh38, 1-based): chr16:89,816,588-89,816,608, CGGAGTTCGGGACCCACGAGT duplicated on the plus strand (ACTCGTGGGTCCCGAACTCCG on the coding strand, the reverse complement: FANCA is on the minus strand); duplicating any 21 consecutive bases within chr16:89,816,588-89,816,612 gives the same sequence; the c. name uses the placement nearest the transcript's 3' end. VCF-style (leftmost placement, unchanged base first): chr16-89816587-G-GCGGAGTTCGGGACCCACGAGT. GRCh37 (hg19) VCF-style: chr16-89882995-G-GCGGAGTTCGGGACCCACGAGT.
Other names: c.8_28dup, p.Asp3_Ser9dup (NM_001018112.3, NM_001286167.3, NM_001351830.2).
Identifiers: ClinVar variation 1398930 (VCV001398930.6), dbSNP rs2143731691, ClinGen allele CA2573152815.